The following is an entry in ClinVar:

NM_016580.4(PCDH12):c.152A>G (p.Gln51Arg)

Genes: PCDH12 (protocadherin 12; minus strand), RNF14 (ring finger protein 14; plus strand). Cytogenetic location: 5q31.3.
Variant type: single nucleotide variant.
Coding change: c.152A>G on transcript NM_016580.4 (MANE Select); coding-DNA position 152, A replaced by G.
Protein change: p.Gln51Arg; replaces glutamine 51 with arginine.
Molecular consequence: missense variant.
Genome position (GRCh38, 1-based): chr5:141,957,700, T>C on the plus strand (A>G on the coding strand, the complement: PCDH12 is on the minus strand). VCF-style: chr5-141957700-T-C. GRCh37 (hg19) VCF-style: chr5-141337265-T-C.
Other names: short protein forms Q51R.
Identifiers: ClinVar variation 996904 (VCV000996904.11), dbSNP rs138473035, ClinGen allele CA3484629.

ClinVar aggregate classification (germline): Conflicting classifications of pathogenicity. Review status: criteria provided, conflicting classifications (1 of 4 stars). 3 submissions from 3 submitters: Uncertain significance (2); Likely benign (1). Last evaluated 2025-12-23.

Conditions:
Diencephalic-mesencephalic junction dysplasia syndrome 1 (DMJDS1). Also called: Microcephaly with spastic quadriplegia. Identifiers: MedGen C4538630, MONDO:0009625, OMIM 251280.

Allele frequency attached by ClinVar (database versions not stated): 1000 Genomes Project 30x 0.00016; 1000 Genomes Project 0.00020; gnomAD 0.00025 and 0.00026; ExAC 0.00031; gnomAD exomes 0.00037 and 0.00059; TOPMed 0.00039; ESP Exome Variant Server 0.00062.
gnomAD v4.1: 896 of 1,614,146 alleles (0.056%); highest among the groups gnomAD compares: Middle Eastern, 0.25%; 2 homozygotes.

Submissions (3):

Labcorp Genetics (formerly Invitae), Labcorp
Classification: Likely benign. Last evaluated: 2025-12-23. Review status: criteria provided, single submitter. Criteria: Invitae Variant Classification Sherloc (09022015). Collection method: clinical testing. Allele origin: germline.

Victorian Clinical Genetics Services, Murdoch Childrens Research Institute
Classification: Uncertain significance for Diencephalic-mesencephalic junction dysplasia syndrome 1. Last evaluated: 2023-07-17. Review status: criteria provided, single submitter. Criteria: ACMG Guidelines, 2015. Collection method: clinical testing. Allele origin: germline. Inheritance: Autosomal recessive inheritance.
Comment: Based on the classification scheme VCGS_Germline_v1.3.4, this variant is classified as VUS-3C. Following criteria are met: 0102 - Loss of function is a known mechanism of disease in this gene and is associated with diencephalic-mesencephalic junction dysplasia syndrome 1 (MIM#251280). (I) 0106 - This gene is associated with autosomal recessive disease. (I) 0200 - Variant is predicted to result in a missense amino acid change from glutamine to arginine. (I) 0251 - This variant is heterozygous. (I) 0304 - Variant is present in gnomAD (v2) <0.01 for a recessive condition (96 heterozygotes, 0 homozygotes). (SP) 0503 - Missense variant consistently predicted to be tolerated by multiple in silico tools or not conserved in placental mammals with a minor amino acid change. (SB) 0600 - Variant is located in the annotated cadherin domain (NCBI, PDB). (I) 0705 - No comparable missense variants have previous evidence for pathogenicity. (I) 0807 - This variant has no previous evidence of pathogenicity. (I) 0905 - No published segregation evidence has been identified for this variant. (I) 1007 - No published functional evidence has been identified for this variant. (I) Legend: (SP) - Supporting pathogenic, (I) - Information, (SB) - Supporting benign

New York Genome Center
Classification: Uncertain significance for Diencephalic-mesencephalic junction dysplasia syndrome 1. Last evaluated: 2019-10-11. Review status: criteria provided, single submitter. Criteria: NYGC Assertion Criteria 2020. Collection method: clinical testing. Allele origin: germline. Inheritance: Autosomal recessive inheritance. Observed: 1 heterozygote. Study: CSER-NYCKidSeq.